The following is an entry in ClinVar:

ClinVar aggregate classification (germline): Pathogenic (1 of 4 stars; one submission).

Submission:

Labcorp Genetics (formerly Invitae), Labcorp
Classification: Pathogenic. Last evaluated: 2025-04-15. Review status: criteria provided, single submitter. Criteria: Invitae Variant Classification Sherloc (09022015). Collection method: clinical testing. Allele origin: germline.
Comment: This sequence change creates a premature translational stop signal (p.Glu2736*) in the CENPF gene. It is expected to result in an absent or disrupted protein product. Loss-of-function variants in CENPF are known to be pathogenic (PMID: 25564561, 26820108). This variant is not present in population databases (gnomAD no frequency). This variant has not been reported in the literature in individuals affected with CENPF-related conditions. For these reasons, this variant has been classified as Pathogenic.

Literature cited by the submitters: PubMed 25564561; PubMed 26820108.

NM_016343.4(CENPF):c.8206G>T (p.Glu2736Ter)

Gene: CENPF (centromere protein F; plus strand). Cytogenetic location: 1q41.
Variant type: single nucleotide variant.
Coding change: c.8206G>T on transcript NM_016343.4 (MANE Select); coding-DNA position 8206, G replaced by T.
Protein change: p.Glu2736Ter; replaces glutamic acid 2736 with a stop codon.
Molecular consequence: nonsense.
Genome position (GRCh38, 1-based): chr1:214,652,873, G>T. VCF-style: chr1-214652873-G-T. GRCh37 (hg19) VCF-style: chr1-214826216-G-T.
Other names: short protein forms E2736*.
Identifiers: ClinVar variation 4717546 (VCV004717546.1).
Genomic context (GRCh38, chr1:214,652,873, plus strand): 5'-TTTGTTTTGCTCTAGTATGAAGTAGAAATCCAGACATACCGAGAGAAATTGACTTCTAAA[G>T]AAGAATGTCTCAGTTCACAGAAGCTGGAGATAGACCTTTTAAAGTCTAGTAAAGAAGAGC-3'